The following is an entry in ClinVar:

NC_000009.11:g.(?_137733983)_(137734149_?)del

Gene: COL5A1 (collagen type V alpha 1 chain; plus strand). Cytogenetic location: 9q34.3.
Variant type: Deletion.
Identifiers: ClinVar variation 1458617 (VCV001458617.7).

ClinVar aggregate classification (germline): Pathogenic (1 of 4 stars; one submission).

Conditions:
Ehlers-Danlos syndrome, classic type, 1 (EDSCL1). Also called: EHLERS-DANLOS SYNDROME, GRAVIS TYPE; EHLERS-DANLOS SYNDROME, SEVERE CLASSIC TYPE; Ehlers-Danlos syndrome, type 1; Ehlers-Danlos Syndrome, Classic Type, COL5A1-Related; EDS I. Identifiers: MedGen C0268335, MONDO:0019567, OMIM 130000.

Submission:

Labcorp Genetics (formerly Invitae), Labcorp
Classification: Pathogenic for Ehlers-Danlos syndrome, classic type, 1. Last evaluated: 2023-05-19. Review status: criteria provided, single submitter. Criteria: Invitae Variant Classification Sherloc (09022015). Collection method: clinical testing. Allele origin: germline.
Comment: For these reasons, this variant has been classified as Pathogenic. This variant disrupts a region of the COL5A1 protein in which other variant(s) (p.Gln1825*) have been determined to be pathogenic (Invitae). This suggests that this is a clinically significant region of the protein, and that variants that disrupt it are likely to be disease-causing. A similar copy number variant has been observed in individual(s) with Ehlers-Danlos syndrome (Invitae). This variant is a gross deletion of the genomic region encompassing exon(s) 66 of the COL5A1 gene, which includes the termination codon. This deletion extends beyond the assayed region for this gene and therefore may encompass additional genes. While this deletion is not anticipated to lead to nonsense mediated decay, it is expected to alter mRNA translation or result in a truncated protein product.